The following is an entry in ClinVar:

ClinVar aggregate classification (germline): Uncertain significance (1 of 4 stars; one submission).

Conditions:
Chopra-Amiel-Gordon syndrome (CAGS). Also called: ANKRD17-Related Neurodevelopmental Syndrome. Identifiers: MedGen C5561975, MONDO:0859186, OMIM 619504.

Submission:

Laboratoire Génétique Moléculaire, CHRU TOURS
Classification: Uncertain significance for Chopra-Amiel-Gordon syndrome. Last evaluated: 2022-10-06. Review status: criteria provided, single submitter. Criteria: ACMG Guidelines, 2015. Collection method: clinical testing. Allele origin: maternal.
Comment: PM2;PP3

NM_032217.5(ANKRD17):c.4772T>A (p.Ile1591Asn)

Gene: ANKRD17 (ankyrin repeat domain 17; minus strand). Cytogenetic location: 4q13.3.
Variant type: single nucleotide variant.
Coding change: c.4772T>A on transcript NM_032217.5 (MANE Select); coding-DNA position 4772, T replaced by A.
Protein change: p.Ile1591Asn; replaces isoleucine 1591 with asparagine.
Molecular consequence: missense variant.
Genome position (GRCh38, 1-based): chr4:73,098,322, A>T on the plus strand (T>A on the coding strand, the complement: ANKRD17 is on the minus strand). VCF-style: chr4-73098322-A-T. GRCh37 (hg19) VCF-style: chr4-73964039-A-T.
Other names: c.4433T>A, p.Ile1478Asn (NM_001286771.3); c.4769T>A, p.Ile1590Asn (NM_015574.2); c.4019T>A, p.Ile1340Asn (NM_198889.3); short protein forms I1590N, I1591N, I1340N, I1478N.
Identifiers: ClinVar variation 4294387 (VCV004294387.1).